The following is an entry in ClinVar:

NM_001384732.1(CPLANE1):c.5185C>T (p.Pro1729Ser)

Gene: CPLANE1 (ciliogenesis and planar polarity effector complex subunit 1; minus strand). Cytogenetic location: 5p13.2.
Variant type: single nucleotide variant.
Coding change: c.5185C>T on transcript NM_001384732.1 (MANE Select); coding-DNA position 5185, C replaced by T.
Protein change: p.Pro1729Ser; replaces proline 1729 with serine.
Molecular consequence: missense variant.
Genome position (GRCh38, 1-based): chr5:37,182,996, G>A on the plus strand (C>T on the coding strand, the complement: CPLANE1 is on the minus strand). VCF-style: chr5-37182996-G-A. GRCh37 (hg19) VCF-style: chr5-37183098-G-A.
Other names: c.5185C>T, p.Pro1729Ser (NM_023073.4); short protein forms P1729S.
Identifiers: ClinVar variation 2019996 (VCV002019996.4), dbSNP rs1783090688, ClinGen allele CA359493505.

ClinVar aggregate classification (germline): Uncertain significance (1 of 4 stars; one submission).

Allele frequency attached by ClinVar (database versions not stated): gnomAD 0.00001.
gnomAD v4.1: 1 of 1,611,640 alleles (0.000062%); highest among the groups gnomAD compares: Non-Finnish European, 0.000085%; no homozygotes.

Submission:

Labcorp Genetics (formerly Invitae), Labcorp
Classification: Uncertain significance. Last evaluated: 2022-07-27. Review status: criteria provided, single submitter. Criteria: Invitae Variant Classification Sherloc (09022015). Collection method: clinical testing. Allele origin: germline.
Comment: In summary, the available evidence is currently insufficient to determine the role of this variant in disease. Therefore, it has been classified as a Variant of Uncertain Significance. Advanced modeling of protein sequence and biophysical properties (such as structural, functional, and spatial information, amino acid conservation, physicochemical variation, residue mobility, and thermodynamic stability) performed at Invitae indicates that this missense variant is not expected to disrupt CPLANE1 protein function. This variant has not been reported in the literature in individuals affected with CPLANE1-related conditions. This variant is not present in population databases (gnomAD no frequency). This sequence change replaces proline, which is neutral and non-polar, with serine, which is neutral and polar, at codon 1729 of the CPLANE1 protein (p.Pro1729Ser).